The following is an entry in ClinVar:

ClinVar aggregate classification (germline): Uncertain significance (1 of 4 stars; one submission).

Conditions:
Developmental and epileptic encephalopathy, 33 (DEE33). Also called: Epileptic encephalopathy, early infantile, 33. Identifiers: Orphanet 442835, MedGen C4225337, MONDO:0014625, OMIM 616409.

Submission:

Labcorp Genetics (formerly Invitae), Labcorp
Classification: Uncertain significance for Developmental and epileptic encephalopathy, 33. Last evaluated: 2023-10-07. Review status: criteria provided, single submitter. Criteria: Invitae Variant Classification Sherloc (09022015). Collection method: clinical testing. Allele origin: germline.
Comment: This sequence change replaces proline, which is neutral and non-polar, with arginine, which is basic and polar, at codon 333 of the EEF1A2 protein (p.Pro333Arg). This variant is not present in population databases (gnomAD no frequency). This variant has not been reported in the literature in individuals affected with EEF1A2-related conditions. Advanced modeling of protein sequence and biophysical properties (such as structural, functional, and spatial information, amino acid conservation, physicochemical variation, residue mobility, and thermodynamic stability) performed at Invitae indicates that this missense variant is expected to disrupt EEF1A2 protein function. In summary, the available evidence is currently insufficient to determine the role of this variant in disease. Therefore, it has been classified as a Variant of Uncertain Significance.

NM_001958.5(EEF1A2):c.998C>G (p.Pro333Arg)

Gene: EEF1A2 (eukaryotic translation elongation factor 1 alpha 2; minus strand). Cytogenetic location: 20q13.33.
Variant type: single nucleotide variant.
Coding change: c.998C>G on transcript NM_001958.5 (MANE Select); coding-DNA position 998, C replaced by G.
Protein change: p.Pro333Arg; replaces proline 333 with arginine.
Molecular consequence: missense variant.
Genome position (GRCh38, 1-based): chr20:63,490,510, G>C on the plus strand (C>G on the coding strand, the complement: EEF1A2 is on the minus strand). VCF-style: chr20-63490510-G-C. GRCh37 (hg19) VCF-style: chr20-62121863-G-C.
Other names: short protein forms P333R.
Identifiers: ClinVar variation 2766624 (VCV002766624.3), dbSNP rs2516775189, ClinGen allele CA409647051.
Genomic context (GRCh38, chr20:63,490,510, plus strand): 5'-AGCCCCCTGGACCCAGCGCAGCCCCCCACCTGGGAGGTGAACTGAGCAGCCTCCTGCGGC[G>C]GGTCAGACTTGCTGTCCCCACACACGTTGCCCCGCCGGATGTCCTTCACCGACACGTTCT-3'
Protein context (NP_001949.1, residues 323-343): GNVCGDSKSD[Pro333Arg]PQEAAQFTSQ